The following is an entry in ClinVar:

NM_016120.4(RLIM):c.1343G>A (p.Gly448Asp)

Gene: RLIM (ring finger protein, LIM domain interacting; minus strand). Cytogenetic location: Xq13.2.
Variant type: single nucleotide variant.
Coding change: c.1343G>A on transcript NM_016120.4 (MANE Select); coding-DNA position 1343, G replaced by A.
Protein change: p.Gly448Asp; replaces glycine 448 with aspartic acid.
Molecular consequence: missense variant.
Genome position (GRCh38, 1-based): chrX:74,591,972, C>T on the plus strand (G>A on the coding strand, the complement: RLIM is on the minus strand). VCF-style: chrX-74591972-C-T. GRCh37 (hg19) VCF-style: chrX-73811807-C-T.
Other names: c.1343G>A, p.Gly448Asp (NM_183353.3); short protein forms G448D.
Identifiers: ClinVar variation 2373865 (VCV002373865.26), dbSNP rs766129561, ClinGen allele CA10454635.

ClinVar aggregate classification (germline): Likely benign. Review status: criteria provided, multiple submitters, no conflicts (2 of 4 stars). 2 submissions from 2 submitters: Likely benign (2). Last evaluated 2023-03-01.

Conditions:
Inborn genetic diseases. Identifiers: MedGen C0950123, MeSH D030342.

Allele frequency attached by ClinVar (database versions not stated): ExAC 0.00003; gnomAD 0.00005; TOPMed 0.00013.
gnomAD v4.1: 98 of 1,209,881 alleles (0.0081%); highest among the groups gnomAD compares: Non-Finnish European, 0.0097%; no homozygotes.

Submissions (2):

CeGaT Center for Human Genetics Tuebingen
Classification: Likely benign. Last evaluated: 2023-03-01. Review status: criteria provided, single submitter. Criteria: CeGaT Center For Human Genetics Tuebingen Variant Classification Criteria Version 2. Collection method: clinical testing. Allele origin: germline. Affected: yes. Observed: 1 variant allele.
Comment: RLIM: BS2

Ambry Genetics
Classification: Likely benign for Inborn genetic diseases. Last evaluated: 2022-04-22. Review status: criteria provided, single submitter. Criteria: Ambry Variant Classification Scheme 2023. Collection method: clinical testing. Allele origin: germline.